The following is an entry in ClinVar:

ClinVar aggregate classification (germline): Uncertain significance (1 of 4 stars; one submission).

Submission:

Labcorp Genetics (formerly Invitae), Labcorp
Classification: Uncertain significance. Last evaluated: 2022-06-27. Review status: criteria provided, single submitter. Criteria: Invitae Variant Classification Sherloc (09022015). Collection method: clinical testing. Allele origin: germline.
Comment: In summary, the available evidence is currently insufficient to determine the role of this variant in disease. Therefore, it has been classified as a Variant of Uncertain Significance. Algorithms developed to predict the effect of missense changes on protein structure and function (SIFT, PolyPhen-2, Align-GVGD) all suggest that this variant is likely to be tolerated. This variant has not been reported in the literature in individuals affected with PLK4-related conditions. This variant is not present in population databases (gnomAD no frequency). This sequence change replaces glutamic acid, which is acidic and polar, with lysine, which is basic and polar, at codon 830 of the PLK4 protein (p.Glu830Lys).

NM_014264.5(PLK4):c.2488G>A (p.Glu830Lys)

Gene: PLK4 (polo like kinase 4; plus strand). Cytogenetic location: 4q28.1.
Variant type: single nucleotide variant.
Coding change: c.2488G>A on transcript NM_014264.5 (MANE Select); coding-DNA position 2488, G replaced by A.
Protein change: p.Glu830Lys; replaces glutamic acid 830 with lysine.
Molecular consequence: missense variant.
Genome position (GRCh38, 1-based): chr4:127,893,807, G>A. VCF-style: chr4-127893807-G-A. GRCh37 (hg19) VCF-style: chr4-128814962-G-A.
Other names: c.2392G>A, p.Glu798Lys (NM_001190799.2); c.2365G>A, p.Glu789Lys (NM_001190801.2); short protein forms E789K, E798K, E830K.
Identifiers: ClinVar variation 2131255 (VCV002131255.4), dbSNP rs2546023547, ClinGen allele CA358162608.